The following is an entry in ClinVar:

NM_207034.3(EDN3):c.143AGACTGTGGCTGGCCCTGGCGAGG[1] (p.48ETVAGPGE[1])

Gene: EDN3 (endothelin 3; plus strand). Cytogenetic location: 20q13.32.
Variant type: Microsatellite.
Coding change: c.143AGACTGTGGCTGGCCCTGGCGAGG[1] on transcript NM_207034.3 (MANE Select); one copy of the 24-base unit AGACTGTGGCTGGCCCTGGCGAGG starting at c.143; the reference has two copies in a row; one copy, 24 bases deleted.
Protein change: p.48ETVAGPGE[1].
Molecular consequence: inframe deletion.
Genome position (GRCh38, 1-based): chr20:59,301,524-59,301,547, AGACTGTGGCTGGCCCTGGCGAGG deleted; deleting any 24 consecutive bases within chr20:59,301,499-59,301,547 gives the same sequence; the position shown is the placement nearest the transcript's 3' end. VCF-style (leftmost placement, unchanged base first): chr20-59301498-AGAGACTGTGGCTGGCCCTGGCGAG-A. GRCh37 (hg19) VCF-style: chr20-57876553-AGAGACTGTGGCTGGCCCTGGCGAG-A.
Other names: c.143AGACTGTGGCTGGCCCTGGCGAGG[1], p.48ETVAGPGE[1] (NM_001302455.2, NM_001302456.2, NM_207032.3 and 1 more transcripts); c.167_190del24 (NM_207034.1, NM_207034.2).
Identifiers: ClinVar variation 504086 (VCV000504086.13), dbSNP rs749390209, ClinGen allele CA9930280.
Genomic context (GRCh38, chr20:59,301,498, plus strand): 5'-TGCTGGCAGGCGCGGCGTGTCCCAGGCCCCCACTGCAGCCAGATCTGAGGGGGACTGTGA[AGAGACTGTGGCTGGCCCTGGCGAG>A]GAGACTGTGGCTGGCCCTGGCGAGGGGACTGTGGCCCCGACAGCACTGCAGGGTCCAAGC-3'

ClinVar aggregate classification (germline): Likely benign. Review status: criteria provided, multiple submitters, no conflicts (2 of 4 stars). 3 submissions from 3 submitters: Likely benign (2). 1 of the submissions does not count toward it. Last evaluated 2026-01-26.

Conditions:
EDN3-related disorder. Also called: EDN3-related condition.

Submissions (3):

Labcorp Genetics (formerly Invitae), Labcorp
Classification: Likely benign. Last evaluated: 2026-01-26. Review status: criteria provided, single submitter. Criteria: Invitae Variant Classification Sherloc (09022015). Collection method: clinical testing. Allele origin: germline.

GeneDx
Classification: Likely benign. Last evaluated: 2021-06-08. Review status: criteria provided, single submitter. Criteria: GeneDx Variant Classification Process June 2021. Collection method: clinical testing. Allele origin: germline. Affected: yes.

PreventionGenetics, part of Exact Sciences
Classification: Likely benign for EDN3-related condition. Last evaluated: 2023-03-24. Review status: no assertion criteria provided. Collection method: clinical testing. Allele origin: germline. Not counted in ClinVar's aggregate classification.
Comment: This variant is classified as likely benign based on ACMG/AMP sequence variant interpretation guidelines (Richards et al. 2015 PMID: 25741868, with internal and published modifications).